The following is an entry in ClinVar:

ClinVar aggregate classification (germline): Likely pathogenic (1 of 4 stars; one submission).

Submission:

Dasa
Classification: Likely pathogenic. Last evaluated: 2026-04-24. Review status: criteria provided, single submitter. Criteria: DASA Assertion Criteria. Collection method: clinical testing. Allele origin: germline.
Comment: NM_003482.4(KMT2D):c.4040dup (p.Pro1348Serfs*3) is a frameshift variant in KMT2D predicted to alter the reading frame and introduce a premature termination codon and is predicted to result in an absent or altered protein product. Loss of function is an established disease mechanism for KMT2D (PMID: 20711175; PMID: 21671394; PMID: 21607748). Also, this variant is rare in population databases. Based on the currently available evidence, this variant is classified as likely pathogenic.

Literature cited by the submitters: PubMed 20711175; PubMed 21671394; PubMed 21607748.

NM_003482.4(KMT2D):c.4040dup (p.Pro1348fs)

Gene: KMT2D (lysine methyltransferase 2D; minus strand). Cytogenetic location: 12q13.12.
Variant type: Duplication.
Coding change: c.4040dup on transcript NM_003482.4 (MANE Select); coding-DNA position 4040, one base duplicated (C; older notation c.4040dupC).
Protein change: p.Pro1348fs; shifts the reading frame from proline 1348.
Molecular consequence: frameshift variant.
Genome position (GRCh38, 1-based): chr12:49,048,750, G duplicated on the plus strand (C on the coding strand, the reverse complement: KMT2D is on the minus strand). VCF-style (leftmost placement, unchanged base first): chr12-49048749-A-AG. GRCh37 (hg19) VCF-style: chr12-49442532-A-AG.
Other names: short protein forms P1348fs.
Identifiers: ClinVar variation 4886485 (VCV004886485.2).
Genomic context (GRCh38, chr12:49,048,749, plus strand): 5'-GAAGAGAACCACGGTATTCTGCATGGTGTCATCATCTTCTTCCTCCTCCTCCTTACTGGG[A>AG]GAGCTATCAATGTCAGCAACCTGATGGGCAGAGAGTTATGGAAAGTGAGGCAGATAAATC-3'